The following is an entry in ClinVar:

ClinVar aggregate classification (germline): Uncertain significance. Review status: criteria provided, multiple submitters, no conflicts (2 of 4 stars). 4 submissions from 4 submitters: Uncertain significance (3). 1 of the submissions does not count toward it. Last evaluated 2022-03-11.

Conditions:
NPC1-related disorder. Also called: NPC1-related condition.
Niemann-Pick disease, type C1. Also called: NEUROVISCERAL STORAGE DISEASE WITH VERTICAL SUPRANUCLEAR OPHTHALMOPLEGIA; NIEMANN-PICK DISEASE WITH CHOLESTEROL ESTERIFICATION BLOCK; NIEMANN-PICK DISEASE WITHOUT SPHINGOMYELINASE DEFICIENCY; NIEMANN-PICK DISEASE, CHRONIC NEURONOPATHIC FORM; NIEMANN-PICK DISEASE, VARIANT TYPE C1. Identifiers: Orphanet 646, MedGen C3179455, MONDO:0009757, OMIM 257220.

Allele frequency attached by ClinVar (database versions not stated): gnomAD 0.00001; ExAC 0.00002; gnomAD exomes 0.00002 and 0.00003; TOPMed 0.00002; ESP Exome Variant Server 0.00015.
gnomAD v4.1: 45 of 1,613,928 alleles (0.0028%); highest among the groups gnomAD compares: East Asian, 0.0045%; no homozygotes.

Submissions (4):

Labcorp Genetics (formerly Invitae), Labcorp
Classification: Uncertain significance for Niemann-Pick disease, type C1. Last evaluated: 2022-03-11. Review status: criteria provided, single submitter. Criteria: Invitae Variant Classification Sherloc (09022015). Collection method: clinical testing. Allele origin: germline.
Comment: This sequence change replaces valine, which is neutral and non-polar, with isoleucine, which is neutral and non-polar, at codon 347 of the NPC1 protein (p.Val347Ile). This variant is present in population databases (rs376741451, gnomAD 0.005%). This variant has not been reported in the literature in individuals affected with NPC1-related conditions. ClinVar contains an entry for this variant (Variation ID: 593604). Advanced modeling of protein sequence and biophysical properties (such as structural, functional, and spatial information, amino acid conservation, physicochemical variation, residue mobility, and thermodynamic stability) performed at Invitae indicates that this missense variant is not expected to disrupt NPC1 protein function. In summary, the available evidence is currently insufficient to determine the role of this variant in disease. Therefore, it has been classified as a Variant of Uncertain Significance.

Genome-Nilou Lab
Classification: Uncertain significance for Niemann-Pick disease, type C1. Last evaluated: 2021-07-14. Review status: criteria provided, single submitter. Criteria: ACMG Guidelines, 2015. Collection method: clinical testing. Allele origin: germline. Affected: no.

Eurofins Ntd Llc (ga)
Classification: Uncertain significance. Last evaluated: 2017-08-11. Review status: criteria provided, single submitter. Criteria: EGL Classification Definitions 2015. Collection method: clinical testing. Allele origin: germline. Observed: 1 variant allele, 1 heterozygote.

PreventionGenetics, part of Exact Sciences
Classification: Uncertain significance for NPC1-related condition. Last evaluated: 2024-05-08. Review status: no assertion criteria provided. Collection method: clinical testing. Allele origin: germline. Not counted in ClinVar's aggregate classification.
Comment: The NPC1 c.1039G>A variant is predicted to result in the amino acid substitution p.Val347Ile. To our knowledge, this variant has not been reported in the literature. This variant is reported in 0.0050% of alleles in individuals of East Asian descent in gnomAD. At this time, the clinical significance of this variant is uncertain due to the absence of conclusive functional and genetic evidence.

NM_000271.5(NPC1):c.1039G>A (p.Val347Ile)

Gene: NPC1 (NPC intracellular cholesterol transporter 1; minus strand). Cytogenetic location: 18q11.2.
Variant type: single nucleotide variant.
Coding change: c.1039G>A on transcript NM_000271.5 (MANE Select); coding-DNA position 1039, G replaced by A.
Protein change: p.Val347Ile; replaces valine 347 with isoleucine.
Molecular consequence: missense variant.
Genome position (GRCh38, 1-based): chr18:23,556,530, C>T on the plus strand (G>A on the coding strand, the complement: NPC1 is on the minus strand). VCF-style: chr18-23556530-C-T. GRCh37 (hg19) VCF-style: chr18-21136494-C-T.
Other names: c.1039G>A (NM_000271.4); short protein forms V347I.
Identifiers: ClinVar variation 593604 (VCV000593604.9), dbSNP rs376741451, ClinGen allele CA8913548.